The following is an entry in ClinVar:

ClinVar aggregate classification (germline): Benign/Likely benign. Review status: criteria provided, multiple submitters, no conflicts (2 of 4 stars). 8 submissions from 8 submitters: Benign (3); Likely benign (4). 1 of the submissions does not count toward it. Last evaluated 2026-02-03.

Conditions:
EGLN1-related disorder. Also called: EGLN1-related condition.
Erythrocytosis, familial, 3 (ECYT3). Identifiers: Orphanet 247511, MedGen C1853286, MONDO:0012353, OMIM 609820.
Hemoglobin, high altitude adaptation (HALAH). Identifiers: MedGen C1836778, OMIM 609070.

Allele frequency attached by ClinVar (database versions not stated): gnomAD 0.00029 and 0.00045; gnomAD exomes 0.00042 and 0.00119; TOPMed 0.00056; 1000 Genomes Project 30x 0.00187; 1000 Genomes Project 0.00220; ExAC 0.00309.
gnomAD v4.1: 666 of 1,557,014 alleles (0.043%); highest among the groups gnomAD compares: East Asian, 1.2%; 7 homozygotes.

Submissions (8):

Labcorp Genetics (formerly Invitae), Labcorp
Classification: Benign for Erythrocytosis, familial, 3. Last evaluated: 2026-02-03. Review status: criteria provided, single submitter. Criteria: Invitae Variant Classification Sherloc (09022015). Collection method: clinical testing. Allele origin: germline.

Mayo Clinic Laboratories, Mayo Clinic
Classification: Likely benign. Last evaluated: 2025-06-10. Review status: criteria provided, single submitter. Criteria: ACMG Guidelines, 2015. Collection method: clinical testing. Allele origin: germline. Observed: 2 variant alleles.
Comment: BP4, BP7

Blueprint Genetics
Classification: Likely benign. Last evaluated: 2024-11-21. Review status: criteria provided, single submitter. Criteria: ACMG Guidelines, 2015. Collection method: clinical testing. Allele origin: germline.

CeGaT Center for Human Genetics Tuebingen
Classification: Benign. Last evaluated: 2023-06-01. Review status: criteria provided, single submitter. Criteria: CeGaT Center For Human Genetics Tuebingen Variant Classification Criteria Version 2. Collection method: clinical testing. Allele origin: germline. Affected: yes. Observed: 1 variant allele.
Comment: EGLN1: BP4, BP7, BS1, BS2

Ambry Genetics
Classification: Likely benign. Last evaluated: 2022-02-12. Review status: criteria provided, single submitter. Criteria: Ambry Variant Classification Scheme 2023. Collection method: clinical testing. Allele origin: germline.

Fulgent Genetics
Classification: Likely benign for Hemoglobin, high altitude adaptation; Erythrocytosis, familial, 3. Last evaluated: 2021-10-27. Review status: criteria provided, single submitter. Criteria: ACMG Guidelines, 2015. Collection method: clinical testing. Allele origin: unknown.

Illumina Laboratory Services, Illumina
Classification: Benign for Erythrocytosis, familial, 3. Last evaluated: 2018-01-13. Review status: criteria provided, single submitter. Criteria: ICSL Variant Classification Criteria 13 December 2019. Collection method: clinical testing. Allele origin: germline.
Comment: This variant was observed in the ICSL laboratory as part of a predisposition screen in an ostensibly healthy population. It had not been previously curated by ICSL or reported in the Human Gene Mutation Database (HGMD: prior to June 1st, 2018), and was therefore a candidate for classification through an automated scoring system. Utilizing variant allele frequency, disease prevalence and penetrance estimates, and inheritance mode, an automated score was calculated to assess if this variant is too frequent to cause the disease. Based on the score and internal cut-off values, a variant classified as benign is not then subjected to further curation. The score for this variant resulted in a classification of benign for this disease.

PreventionGenetics, part of Exact Sciences
Classification: Benign for EGLN1-related condition. Last evaluated: 2019-10-31. Review status: no assertion criteria provided. Collection method: clinical testing. Allele origin: germline. Not counted in ClinVar's aggregate classification.
Comment: This variant is classified as benign based on ACMG/AMP sequence variant interpretation guidelines (Richards et al. 2015 PMID: 25741868, with internal and published modifications).

NM_022051.3(EGLN1):c.120C>T (p.Phe40=)

Gene: EGLN1 (egl-9 family hypoxia inducible factor 1; minus strand). Cytogenetic location: 1q42.2.
Variant type: single nucleotide variant.
Coding change: c.120C>T on transcript NM_022051.3 (MANE Select); coding-DNA position 120, C replaced by T.
Protein change: p.Phe40=; no amino-acid change (phenylalanine 40 retained).
Molecular consequence: synonymous variant.
Genome position (GRCh38, 1-based): chr1:231,421,769, G>A on the plus strand (C>T on the coding strand, the complement: EGLN1 is on the minus strand). VCF-style: chr1-231421769-G-A. GRCh37 (hg19) VCF-style: chr1-231557515-G-A.
Other names: p.Phe40=; c.120C>T, p.Phe40= (NM_001377260.1, NM_001377261.1).
Identifiers: ClinVar variation 296195 (VCV000296195.44), dbSNP rs555121182, ClinGen allele CA1453205.